The following is an entry in ClinVar:

ClinVar aggregate classification (germline): Uncertain significance. Review status: criteria provided, single submitter (1 of 4 stars). 2 submissions from 2 submitters: Uncertain significance (1). 1 of the submissions does not count toward it. Last evaluated 2023-05-01.

Conditions:
SLC29A4-related disorder. Also called: SLC29A4-related condition.

Allele frequency attached by ClinVar (database versions not stated): gnomAD 0.00001; ExAC 0.00002; TOPMed 0.00005; ESP Exome Variant Server 0.00008.
gnomAD v4.1: 76 of 1,611,926 alleles (0.0047%); highest among the groups gnomAD compares: Middle Eastern, 0.021%; no homozygotes.

Submissions (2):

Ambry Genetics
Classification: Uncertain significance. Last evaluated: 2023-05-01. Review status: criteria provided, single submitter. Criteria: Ambry Variant Classification Scheme 2023. Collection method: clinical testing. Allele origin: germline.

PreventionGenetics, part of Exact Sciences
Classification: Uncertain significance for SLC29A4-related condition. Last evaluated: 2023-12-19. Review status: no assertion criteria provided. Collection method: clinical testing. Allele origin: germline. Not counted in ClinVar's aggregate classification.
Comment: The SLC29A4 c.1084G>A variant is predicted to result in the amino acid substitution p.Val362Met. To our knowledge, this variant has not been reported in the literature. This variant is reported in 0.0062% of alleles in individuals of African descent in gnomAD. Please note that in gnomAD v4.0.0, this variant is present in 76 heterozygous individuals. At this time, the clinical significance of this variant is uncertain due to the absence of conclusive functional and genetic evidence.

NM_153247.4(SLC29A4):c.1084G>A (p.Val362Met)

Gene: SLC29A4 (solute carrier family 29 member 4; plus strand). Cytogenetic location: 7p22.1.
Variant type: single nucleotide variant.
Coding change: c.1084G>A on transcript NM_153247.4 (MANE Select); coding-DNA position 1084, G replaced by A.
Protein change: p.Val362Met; replaces valine 362 with methionine.
Molecular consequence: missense variant.
Genome position (GRCh38, 1-based): chr7:5,299,302, G>A. VCF-style: chr7-5299302-G-A. GRCh37 (hg19) VCF-style: chr7-5338933-G-A.
Other names: c.1084G>A, p.Val362Met (NM_001040661.3); c.1042G>A, p.Val348Met (NM_001300847.3); c.1084G>A (NM_153247.2); short protein forms V348M, V362M.
Identifiers: ClinVar variation 2554039 (VCV002554039.4), dbSNP rs372832360, ClinGen allele CA4142828.